The following is an entry in ClinVar:

ClinVar aggregate classification (germline): Uncertain significance. Review status: criteria provided, multiple submitters, no conflicts (2 of 4 stars). 9 submissions from 9 submitters: Uncertain significance (9). Last evaluated 2026-02-10.

Conditions:
INVS-related disorder. Also called: INVS-related condition.
Nephronophthisis. Also called: Juvenile Nephronophthisis. Identifiers: Orphanet 655, MedGen C0687120, MONDO:0019005, HP:0000090.
Infantile nephronophthisis (NPHP2). Also called: Nephronophthisis 2, infantile; Nephronophthisis 2. Identifiers: Orphanet 655, Orphanet 93591, MedGen C1865872, MONDO:0011190, OMIM 602088.

Allele frequency attached by ClinVar (database versions not stated): ESP Exome Variant Server 0.00046; 1000 Genomes Project 30x 0.00047; TOPMed 0.00048; 1000 Genomes Project 0.00060.
gnomAD v4.1: 177 of 1,613,202 alleles (0.011%); highest among the groups gnomAD compares: African/African-American, 0.16%; no homozygotes.

Submissions (9):

PreventionGenetics, part of Exact Sciences
Classification: Uncertain significance for INVS-related condition. Last evaluated: 2026-02-10. Review status: criteria provided, single submitter. Criteria: ACMG Guidelines, 2015. Collection method: clinical testing. Allele origin: germline.
Comment: The INVS c.2686G>A variant is predicted to result in the amino acid substitution p.Val896Ile. This variant was reported along with additional INVS variants in individuals with focal and segmental glomerulosclerosis or nephronophthisis (Table 3, INVS also described as NPHP2 in Tang et al. 2019. PubMed ID: 31131822; Table S4, Wang et al. 2019. PubMed ID: 31308072; Table S3, Rao et al. 2019. PubMed ID: 31328266). This variant is reported in 0.14% of alleles in individuals of African descent in gnomAD. Although we suspect that this variant may be benign, at this time, the clinical significance of this variant is uncertain due to the absence of conclusive functional and genetic evidence.

Greenwood Genetic Center Diagnostic Laboratories, Greenwood Genetic Center
Classification: Uncertain significance. Last evaluated: 2025-06-16. Review status: criteria provided, single submitter. Criteria: ACMG Guidelines, 2015. Collection method: clinical testing. Allele origin: germline. Affected: yes.
Comment: BP4

Labcorp Genetics (formerly Invitae), Labcorp
Classification: Uncertain significance for Nephronophthisis. Last evaluated: 2025-02-03. Review status: criteria provided, single submitter. Criteria: Invitae Variant Classification Sherloc (09022015). Collection method: clinical testing. Allele origin: germline.
Comment: This sequence change replaces valine, which is neutral and non-polar, with isoleucine, which is neutral and non-polar, at codon 896 of the INVS protein (p.Val896Ile). This variant is present in population databases (rs114847355, gnomAD 0.1%). This missense change has been observed in individual(s) with focal segmental glomerulosclerosis and/or nephronophthisis-related ciliopathy (PMID: 31131822, 31308072, 33323469). ClinVar contains an entry for this variant (Variation ID: 194405). An algorithm developed to predict the effect of missense changes on protein structure and function (PolyPhen-2) suggests that this variant¬†is likely to be tolerated. In summary, the available evidence is currently insufficient to determine the role of this variant in disease. Therefore, it has been classified as a Variant of Uncertain Significance.

GeneDx
Classification: Uncertain significance. Last evaluated: 2024-12-03. Review status: criteria provided, single submitter. Criteria: GeneDx Variant Classification Process June 2021. Collection method: clinical testing. Allele origin: germline. Affected: yes.
Comment: Identified in the published literature in an individual with stage 3 chronic kidney disease who harbored an additional INVS variant (PMID: 31131822); In silico analysis indicates that this missense variant does not alter protein structure/function; This variant is associated with the following publications: (PMID: 34426522, 33323469, 31328266, 31131822, 31308072)

Blueprint Genetics
Classification: Uncertain significance. Last evaluated: 2024-08-08. Review status: criteria provided, single submitter. Criteria: ACMG Guidelines, 2015. Collection method: clinical testing. Allele origin: germline.

Fulgent Genetics
Classification: Uncertain significance for Infantile nephronophthisis. Last evaluated: 2024-06-19. Review status: criteria provided, single submitter. Criteria: ACMG Guidelines, 2015. Collection method: clinical testing. Allele origin: germline.

Mayo Clinic Laboratories, Mayo Clinic
Classification: Uncertain significance. Last evaluated: 2024-02-27. Review status: criteria provided, single submitter. Criteria: ACMG Guidelines, 2015. Collection method: clinical testing. Allele origin: germline. Observed: 1 variant allele.
Comment: BS1, BP4

Department of Pathology and Laboratory Medicine, Sinai Health System
Classification: Uncertain significance for Infantile nephronophthisis. Last evaluated: 2021-07-30. Review status: criteria provided, single submitter. Criteria: ACMG Guidelines, 2015. Collection method: research. Allele origin: germline.

Eurofins Ntd Llc (ga)
Classification: Uncertain significance. Last evaluated: 2018-07-24. Review status: criteria provided, single submitter. Criteria: EGL ClinVar v180209 classification definitions. Collection method: clinical testing. Allele origin: germline. Observed: 7 variant alleles, 7 heterozygotes.

Literature cited by the submitters: PubMed 31131822 (cited by Labcorp Genetics (formerly Invitae), Labcorp and Mayo Clinic Laboratories, Mayo Clinic); PubMed 31308072 (cited by Labcorp Genetics (formerly Invitae), Labcorp and Mayo Clinic Laboratories, Mayo Clinic); PubMed 33323469 (cited by Labcorp Genetics (formerly Invitae), Labcorp and Mayo Clinic Laboratories, Mayo Clinic); PubMed 31328266 (cited by Mayo Clinic Laboratories, Mayo Clinic); PubMed 34426522 (cited by Mayo Clinic Laboratories, Mayo Clinic).

NM_014425.5(INVS):c.2686G>A (p.Val896Ile)

Gene: INVS (inversin; plus strand). Cytogenetic location: 9q31.1.
Variant type: single nucleotide variant.
Coding change: c.2686G>A on transcript NM_014425.5 (MANE Select); coding-DNA position 2686, G replaced by A.
Protein change: p.Val896Ile; replaces valine 896 with isoleucine.
Molecular consequence: missense variant. On other transcripts: non-coding transcript variant (1).
Genome position (GRCh38, 1-based): chr9:100,292,943, G>A. VCF-style: chr9-100292943-G-A. GRCh37 (hg19) VCF-style: chr9-103055225-G-A.
Other names: p.Val896Ile; c.2398G>A, p.Val800Ile (NM_001318381.2); c.1708G>A, p.Val570Ile (NM_001318382.2); c.2686G>A (NM_014425.4); short protein forms V896I, V570I, V800I.
Identifiers: ClinVar variation 194405 (VCV000194405.24), dbSNP rs114847355, ClinGen allele CA240330.